The following is an entry in ClinVar:

ClinVar aggregate classification (germline): Uncertain significance. Review status: criteria provided, multiple submitters, no conflicts (2 of 4 stars). 5 submissions from 5 submitters: Uncertain significance (3). 2 of the submissions do not count toward it. Last evaluated 2025-12-29.

Conditions:
Inborn genetic diseases. Identifiers: MedGen C0950123, MeSH D030342.
UNC13D-related disorder. Also called: UNC13D-related condition.
Familial hemophagocytic lymphohistiocytosis 3 (FHL3). Also called: UNC13D-Related Familial Hemophagocytic Lymphohistiocytosis (UNC13D-fHLH). Identifiers: Orphanet 540, MedGen C1837174, MONDO:0012146, OMIM 608898.

Allele frequency attached by ClinVar (database versions not stated): gnomAD exomes 0.00003; ExAC 0.00004; TOPMed 0.00005; gnomAD 0.00007 and 0.00009.
gnomAD v4.1: 58 of 1,614,072 alleles (0.0036%); highest among the groups gnomAD compares: South Asian, 0.0077%; 1 homozygote.

Submissions (5):

Labcorp Genetics (formerly Invitae), Labcorp
Classification: Uncertain significance for Familial hemophagocytic lymphohistiocytosis 3. Last evaluated: 2025-12-29. Review status: criteria provided, single submitter. Criteria: Invitae Variant Classification Sherloc (09022015). Collection method: clinical testing. Allele origin: germline.
Comment: This sequence change replaces arginine, which is basic and polar, with glutamine, which is neutral and polar, at codon 645 of the UNC13D protein (p.Arg645Gln). This variant is present in population databases (rs371162326, gnomAD 0.006%). This variant has not been reported in the literature in individuals affected with UNC13D-related conditions. ClinVar contains an entry for this variant (Variation ID: 660606). Invitae Evidence Modeling of protein sequence and biophysical properties (such as structural, functional, and spatial information, amino acid conservation, physicochemical variation, residue mobility, and thermodynamic stability) indicates that this missense variant is not expected to disrupt UNC13D protein function with a negative predictive value of 80%. In summary, the available evidence is currently insufficient to determine the role of this variant in disease. Therefore, it has been classified as a Variant of Uncertain Significance.

Ambry Genetics
Classification: Uncertain significance for Inborn genetic diseases. Last evaluated: 2021-10-22. Review status: criteria provided, single submitter. Criteria: Ambry Variant Classification Scheme 2023. Collection method: clinical testing. Allele origin: germline.

Illumina Laboratory Services, Illumina
Classification: Uncertain significance for Familial hemophagocytic lymphohistiocytosis 3. Last evaluated: 2018-01-12. Review status: criteria provided, single submitter. Criteria: ICSL Variant Classification Criteria 13 December 2019. Collection method: clinical testing. Allele origin: germline.

PreventionGenetics, part of Exact Sciences
Classification: Uncertain significance for UNC13D-related condition. Last evaluated: 2024-09-07. Review status: no assertion criteria provided. Collection method: clinical testing. Allele origin: germline. Not counted in ClinVar's aggregate classification.
Comment: The UNC13D c.1934G>A variant is predicted to result in the amino acid substitution p.Arg645Gln. To our knowledge, this variant has not been reported in the literature. This variant is reported in 0.0054% of alleles in individuals of European (Non-Finnish) descent in gnomAD. At this time, the clinical significance of this variant is uncertain due to the absence of conclusive functional and genetic evidence.

Genetic Services Laboratory, University of Chicago
Classification: Uncertain significance. Last evaluated: 2022-11-28. Review status: no assertion criteria provided. Collection method: clinical testing. Allele origin: germline. Affected: no. Not counted in ClinVar's aggregate classification.
Comment: DNA sequence analysis of the UNC13D gene demonstrated a sequence change, c.1934G>A, in exon 21 that results in an amino acid change, p.Arg645Gln. This sequence change does not appear to have been previously described in individuals with UNC13D-related disorders. This sequence change has been described in the gnomAD database with a global population frequency of 0.0032% (dbSNP rs371162326). The p.Arg645Gln change affects a poorly conserved amino acid residue located in a domain of the UNC13D protein that is not known to be functional. The p.Arg645Gln substitution appears to be benign using several in-silico pathogenicity prediction tools (SIFT, PolyPhen2, Align GVGD, REVEL). Due to insufficient evidences and the lack of functional studies, the clinical significance of the p.Arg645Gln change remains unknown at this time.

NM_199242.3(UNC13D):c.1934G>A (p.Arg645Gln)

Gene: UNC13D (unc-13 homolog D; minus strand). Cytogenetic location: 17q25.1.
Variant type: single nucleotide variant.
Coding change: c.1934G>A on transcript NM_199242.3 (MANE Select); coding-DNA position 1934, G replaced by A.
Protein change: p.Arg645Gln; replaces arginine 645 with glutamine.
Molecular consequence: missense variant.
Genome position (GRCh38, 1-based): chr17:75,834,978, C>T on the plus strand (G>A on the coding strand, the complement: UNC13D is on the minus strand). VCF-style: chr17-75834978-C-T. GRCh37 (hg19) VCF-style: chr17-73831059-C-T.
Other names: short protein forms R645Q.
Identifiers: ClinVar variation 660606 (VCV000660606.11), dbSNP rs371162326, ClinGen allele CA8772744.